The following is an entry in ClinVar:

NM_182548.4(LHFPL5):c.472C>T (p.Arg158Trp)

Gene: LHFPL5 (LHFPL tetraspan subfamily member 5; plus strand). Cytogenetic location: 6p21.31.
Variant type: single nucleotide variant.
Coding change: c.472C>T on transcript NM_182548.4 (MANE Select); coding-DNA position 472, C replaced by T.
Protein change: p.Arg158Trp; replaces arginine 158 with tryptophan.
Molecular consequence: missense variant.
Genome position (GRCh38, 1-based): chr6:35,814,605, C>T. VCF-style: chr6-35814605-C-T. GRCh37 (hg19) VCF-style: chr6-35782382-C-T.
Other names: short protein forms R158W.
Identifiers: ClinVar variation 505548 (VCV000505548.12), dbSNP rs753739358, ClinGen allele CA3774422.

ClinVar aggregate classification (germline): Pathogenic/Likely pathogenic. Review status: criteria provided, multiple submitters, no conflicts (2 of 4 stars). 6 submissions from 6 submitters: Pathogenic (1); Likely pathogenic (3). 2 of the submissions do not count toward it. Last evaluated 2026-09-22.

Conditions:
Deafness. Identifiers: MedGen C0011053.
Autosomal recessive nonsyndromic hearing loss 67. Identifiers: Orphanet 90636, MedGen C1853223, MONDO:0012460, OMIM 610265.

Allele frequency attached by ClinVar (database versions not stated): gnomAD exomes 0.00006 and 0.00008; ExAC 0.00005; gnomAD 0.00006 and 0.00005; TOPMed 0.00006.

Submissions (6):

GeneDx
Classification: Likely pathogenic. Last evaluated: 2026-09-22. Review status: criteria provided, single submitter. Criteria: GeneDx Variant Classification Process June 2021. Collection method: clinical testing. Allele origin: germline.
Comment: In silico analysis supports that this missense variant has a deleterious effect on protein structure/function; This variant is associated with the following publications: (PMID: 30298622, 26437881, 39161163)

Labcorp Genetics (formerly Invitae), Labcorp
Classification: Pathogenic. Last evaluated: 2025-04-28. Review status: criteria provided, single submitter. Criteria: Invitae Variant Classification Sherloc (09022015). Collection method: clinical testing. Allele origin: germline.
Comment: This sequence change replaces arginine, which is basic and polar, with tryptophan, which is neutral and slightly polar, at codon 158 of the LHFPL5 protein (p.Arg158Trp). This variant is present in population databases (rs753739358, gnomAD 0.01%). This missense change has been observed in individual(s) with deafness (PMID: 30298622). In at least one individual the data is consistent with being in trans (on the opposite chromosome) from a pathogenic variant. It has also been observed to segregate with disease in related individuals. ClinVar contains an entry for this variant (Variation ID: 505548). An algorithm developed to predict the effect of missense changes on protein structure and function (PolyPhen-2) suggests that this variant is likely to be disruptive. For these reasons, this variant has been classified as Pathogenic.

First Genomix Gene Laboratory, Genetic Diagnostics Department
Classification: Likely pathogenic for Autosomal recessive nonsyndromic hearing loss 67. Last evaluated: 2025-01-21. Review status: criteria provided, single submitter. Criteria: ACMG Guidelines, 2015. Collection method: clinical testing. Allele origin: germline. Inheritance: Autosomal recessive inheritance. Affected: no. Observed: 1 variant allele.

Dubai Health Genomic Medicine Center, Dubai Health
Classification: Likely pathogenic for Deafness. Last evaluated: 2024-10-04. Review status: criteria provided, single submitter. Criteria: ACMG Guidelines, 2015. Collection method: research. Allele origin: germline. Affected: yes.
Comment: PP1,PM3(moderate),PM2,PP3

OMIM
Classification: Pathogenic for DEAFNESS, AUTOSOMAL RECESSIVE 67. Last evaluated: 2026-04-03. Review status: no assertion criteria provided. Collection method: literature only. Allele origin: germline. Not counted in ClinVar's aggregate classification.

Laboratory for Molecular Medicine, Mass General Brigham Personalized Medicine
Classification: Uncertain significance. Last evaluated: 2017-01-24. Review status: flagged submission. Criteria: LMM Criteria. Collection method: clinical testing. Allele origin: germline. Observed: 2 variant alleles. Not counted in ClinVar's aggregate classification.
Comment: Variant classified as Uncertain Significance - Favor Pathogenic. This variant has also been identified in 8/126732 European chromosomes by the Genome Aggregation Database (gnomAD; dbSNP rs753739358). Although this variant has been seen in th e general population, its frequency is low enough to be consistent with the carr ier frequency for autosomal recessive hearing loss. However, population data spe cific for Arab populations are not available. Computational prediction tools and conservation analysis suggest that this variant may impact the protein, though this information is not predictive enough to determine pathogenicity. In summary , while there is some suspicion for a pathogenic role, the clinical significance of the p.Arg158Trp variant is uncertain.
ClinVar note: Reason: Older and outlier claim with insufficient supporting evidence

Literature cited by the submitters: PubMed 30298622 (cited by Labcorp Genetics (formerly Invitae), Labcorp and OMIM); PubMed 26437881 (cited by OMIM and Laboratory for Molecular Medicine, Mass General Brigham Personalized Medicine).